The following is an entry in ClinVar:

NM_014482.3(BMP10):c.599C>G (p.Thr200Ser)

Gene: BMP10 (bone morphogenetic protein 10; minus strand). Cytogenetic location: 2p13.3.
Variant type: single nucleotide variant.
Coding change: c.599C>G on transcript NM_014482.3 (MANE Select); coding-DNA position 599, C replaced by G.
Protein change: p.Thr200Ser; replaces threonine 200 with serine.
Molecular consequence: missense variant.
Genome position (GRCh38, 1-based): chr2:68,866,307, G>C on the plus strand (C>G on the coding strand, the complement: BMP10 is on the minus strand). VCF-style: chr2-68866307-G-C. GRCh37 (hg19) VCF-style: chr2-69093439-G-C.
Other names: short protein forms T200S.
Identifiers: ClinVar variation 3236724 (VCV003236724.15), dbSNP rs2231342, ClinGen allele CA1692148.
Genomic context (GRCh38, chr2:68,866,307, plus strand): 5'-AGCTGGTGGGTGGATGAGCCTGACTTTTGCCAACGTCTGATGGCATCTGTGACATCAAAA[G>C]TCTCCCACTCACTGTTGGTTCCATATATCTCCCCAGACACCAAGACCAGCATGTTTCTTT-3'
Protein context (NP_055297.1, residues 190-210): EIYGTNSEWE[Thr200Ser]FDVTDAIRRW

ClinVar aggregate classification (germline): Benign/Likely benign. Review status: criteria provided, multiple submitters, no conflicts (2 of 4 stars). 2 submissions from 2 submitters: Benign (1); Likely benign (1). Last evaluated 2025-12-01.

Conditions:
Bladder exstrophy-epispadias-cloacal exstrophy complex. Also called: Exstrophy of the bladder-epispadias; Bladder exstrophy and epispadias complex; Bladder exstrophy-epispadias-cloacal extrophy complex. Identifiers: Orphanet 93930, MedGen C1838703, MONDO:0700039, OMIM 600057.

Allele frequency attached by ClinVar (database versions not stated): 1000 Genomes Project 30x 0.00187; 1000 Genomes Project 0.00200; TOPMed 0.00283; gnomAD 0.00388; ESP Exome Variant Server 0.00477; ExAC 0.00492; gnomAD exomes 0.00499.

Submissions (2):

CeGaT Center for Human Genetics Tuebingen
Classification: Likely benign. Last evaluated: 2025-12-01. Review status: criteria provided, single submitter. Criteria: CeGaT Center For Human Genetics Tuebingen Variant Classification Criteria Version 2. Collection method: clinical testing. Allele origin: germline. Affected: yes. Observed: 2 variant alleles.
Comment: BMP10: BP4, BS2

Obstetrics and Gynecology Department, Johns Hopkins School Of Medicine
Classification: Benign for Bladder exstrophy-epispadias-cloacal exstrophy complex. Review status: criteria provided, single submitter. Criteria: ACMG Guidelines, 2015. Collection method: research. Allele origin: unknown. Affected: yes.